The following is an entry in ClinVar:

ClinVar aggregate classification (germline): Likely benign (1 of 4 stars; one submission).

Conditions:
F8-related disorder. Also called: F8-related condition.

gnomAD v4.1: 17 of 1,209,634 alleles (0.0014%); highest among the groups gnomAD compares: African/African-American, 0.03%; no homozygotes.

Submission:

PreventionGenetics, part of Exact Sciences
Classification: Likely benign for F8-related condition. Last evaluated: 2024-10-30. Review status: criteria provided, single submitter. Criteria: ACMG Guidelines, 2015. Collection method: clinical testing. Allele origin: germline.
Comment: This variant is classified as likely benign based on ACMG/AMP sequence variant interpretation guidelines (Richards et al. 2015 PMID: 25741868, with internal and published modifications).

NM_000132.4(F8):c.2385A>G (p.Arg795=)

Gene: F8 (coagulation factor VIII; minus strand). Cytogenetic location: Xq28.
Variant type: single nucleotide variant.
Coding change: c.2385A>G on transcript NM_000132.4 (MANE Select); coding-DNA position 2385, A replaced by G.
Protein change: p.Arg795=; no amino-acid change (arginine 795 retained).
Molecular consequence: synonymous variant.
Genome position (GRCh38, 1-based): chrX:154,931,405, T>C on the plus strand (A>G on the coding strand, the complement: F8 is on the minus strand). VCF-style: chrX-154931405-T-C. GRCh37 (hg19) VCF-style: chrX-154159680-T-C.
Identifiers: ClinVar variation 4978010 (VCV004978010.1).